The following is an entry in ClinVar:

NM_005431.2(XRCC2):c.10G>A (p.Ala4Thr)

Gene: XRCC2 (X-ray repair cross complementing 2; minus strand). Cytogenetic location: 7q36.1.
Variant type: single nucleotide variant.
Coding change: c.10G>A on transcript NM_005431.2 (MANE Select); coding-DNA position 10, G replaced by A.
Protein change: p.Ala4Thr; replaces alanine 4 with threonine.
Molecular consequence: missense variant.
Genome position (GRCh38, 1-based): chr7:152,676,070, C>T on the plus strand (G>A on the coding strand, the complement: XRCC2 is on the minus strand). VCF-style: chr7-152676070-C-T. GRCh37 (hg19) VCF-style: chr7-152373155-C-T.
Other names: short protein forms A4T.
Identifiers: ClinVar variation 2496767 (VCV002496767.2), dbSNP rs1204405661, ClinGen allele CA370199632.

ClinVar aggregate classification (germline): Uncertain significance (1 of 4 stars; one submission).

Conditions:
Hereditary cancer-predisposing syndrome. Also called: Neoplastic Syndromes, Hereditary; Hereditary neoplastic syndrome; Tumor predisposition; Hereditary Cancer Syndrome. Identifiers: Orphanet 140162, MedGen C0027672, MeSH D009386, MONDO:0015356.

Submission:

Ambry Genetics
Classification: Uncertain significance for Hereditary cancer-predisposing syndrome. Last evaluated: 2023-03-09. Review status: criteria provided, single submitter. Criteria: Ambry Variant Classification Scheme 2023. Collection method: clinical testing. Allele origin: germline.
Comment: The p.A4T variant (also known as c.10G>A), located in coding exon 1 of the XRCC2 gene, results from a G to A substitution at nucleotide position 10. The alanine at codon 4 is replaced by threonine, an amino acid with similar properties. This amino acid position is poorly conserved in available vertebrate species. In addition, this alteration is predicted to be tolerated by in silico analysis. Since supporting evidence is limited at this time, the clinical significance of this alteration remains unclear.